The following is an entry in ClinVar:

NM_177438.3(DICER1):c.1325dup (p.Leu442fs)

Gene: DICER1 (dicer 1, ribonuclease III; minus strand). Cytogenetic location: 14q32.13.
Variant type: Duplication.
Coding change: c.1325dup on transcript NM_177438.3 (MANE Select); coding-DNA position 1325, one base duplicated (T; older notation c.1325dupT).
Protein change: p.Leu442fs; shifts the reading frame from leucine 442.
Molecular consequence: frameshift variant.
Genome position (GRCh38, 1-based): chr14:95,124,247, A duplicated on the plus strand (T on the coding strand, the reverse complement: DICER1 is on the minus strand); the first of 4 consecutive A bases (chr14:95,124,247-95,124,250); duplicating any one gives the same sequence. VCF-style (leftmost placement, unchanged base first): chr14-95124246-C-CA. GRCh37 (hg19) VCF-style: chr14-95590583-C-CA.
Other names: c.1325dup, p.Leu442fs (NM_001195573.1, NM_001271282.3, NM_001291628.2 and 1 more transcripts); c.1325dupT (NM_177438.2); short protein forms L442fs.
Identifiers: ClinVar variation 429114 (VCV000429114.3), dbSNP rs1131691190, ClinGen allele CA645369620.

ClinVar aggregate classification (germline): Pathogenic (1 of 4 stars; one submission).

Conditions:
Hereditary cancer-predisposing syndrome. Also called: Hereditary Cancer Syndrome; Neoplastic Syndromes, Hereditary; Hereditary neoplastic syndrome; Tumor predisposition. Identifiers: Orphanet 140162, MedGen C0027672, MeSH D009386, MONDO:0015356.

Submission:

Ambry Genetics
Classification: Pathogenic for Hereditary cancer-predisposing syndrome. Last evaluated: 2012-01-30. Review status: criteria provided, single submitter. Criteria: Ambry Autosomal Dominant and X-Linked criteria (10/2015). Collection method: clinical testing. Allele origin: germline. Observed: 1 variant allele.
Comment: This alteration is expected to result in loss of function by premature protein truncation or nonsense-mediatedâ€¯mRNAâ€¯decay.â€¯As such, this alteration is interpreted as a disease-causing mutation.